The following is an entry in ClinVar:

NM_000551.4(VHL):c.340+643G>T

Genes: VHL (von Hippel-Lindau tumor suppressor; plus strand), LOC107303340 (3p25 von Hippel-Lindau tumor suppressor, E3 ubiquitin protein ligase Alu-mediated recombination region; plus strand). Cytogenetic location: 3p25.3.
Variant type: single nucleotide variant.
Coding change: c.340+643G>T on transcript NM_000551.4 (MANE Select); 643 bases into the intron after coding-DNA position 340, G replaced by T.
Molecular consequence: intron variant. On other transcripts: synonymous variant (1).
Genome position (GRCh38, 1-based): chr3:10,142,830, G>T. VCF-style: chr3-10142830-G-T. GRCh37 (hg19) VCF-style: chr3-10184514-G-T.
Other names: c.408G>T, p.Gly136= (NM_001354723.2); c.340+643G>T (NM_198156.3).
Identifiers: ClinVar variation 1520599 (VCV001520599.8), dbSNP rs1165627970, ClinGen allele CA1044995501.
Genomic context (GRCh38, chr3:10,142,830, plus strand): 5'-GACTCCAGTGGGCCAGTTCTGCGTAGTCCCTGCCCTCGTGGAGAACACATTCCTCCTGGG[G>T]AGACTGACAGATGCAAAGACAGGAACAAGCCAGGGTCATGTTGGCGCCGGAAGAGCCGAC-3'

ClinVar aggregate classification (germline): Uncertain significance (1 of 4 stars; one submission).

Conditions:
Chuvash polycythemia. Also called: POLYCYTHEMIA, VHL-DEPENDENT. Identifiers: Orphanet 238557, MedGen C1837915, MONDO:0009892, OMIM 263400.
Von Hippel-Lindau syndrome (VHLS). Also called: Von Hippel-Lindau; von Hippel–Lindau syndrome; VHL syndrome. Identifiers: Orphanet 892, MedGen C0019562, MONDO:0008667, OMIM 193300. Disease mechanism: loss of function.

Allele frequency attached by ClinVar (database versions not stated): gnomAD 0.00001.
gnomAD v4.1: 1 of 152,442 alleles (0.00066%); highest among the groups gnomAD compares: African/African-American, 0.0024%; no homozygotes.

Submission:

Labcorp Genetics (formerly Invitae), Labcorp
Classification: Uncertain significance for Von Hippel-Lindau syndrome; Chuvash polycythemia. Last evaluated: 2025-06-05. Review status: criteria provided, single submitter. Criteria: Invitae Variant Classification Sherloc (09022015). Collection method: clinical testing. Allele origin: germline.
Comment: This sequence change falls in intron 1 of the VHL gene. It is not expected to change the encoded amino acid sequence of the VHL protein. However, this sequence change falls within a cryptic exon in the VHL gene, known as exon E1’, which is naturally expressed at low levels in several human tissues (PMID: 29891534). This variant is not present in population databases (gnomAD no frequency). This variant has not been reported in the literature in individuals affected with VHL-related conditions. ClinVar contains an entry for this variant (Variation ID: 1520599). Algorithms developed to predict the effect of sequence changes on RNA splicing suggest that this variant is not likely to affect RNA splicing. In summary, the available evidence is currently insufficient to determine the role of this variant in disease. Therefore, it has been classified as a Variant of Uncertain Significance.

Literature cited by the submitters: PubMed 29891534.